The following is an entry in ClinVar:

ClinVar aggregate classification (germline): Uncertain significance. Review status: criteria provided, multiple submitters, no conflicts (2 of 4 stars). 4 submissions from 4 submitters: Uncertain significance (4). Last evaluated 2026-09-15.

Conditions:
NPHP1-related disorder. Also called: NPHP1-related disorders; NPHP1-related condition.
Inborn genetic diseases. Identifiers: MedGen C0950123, MeSH D030342.
Nephronophthisis. Also called: Juvenile Nephronophthisis. Identifiers: Orphanet 655, MedGen C0687120, MONDO:0019005, HP:0000090.
Senior-Loken syndrome 1 (SLSN1). Also called: JUVENILE NEPHRONOPHTHISIS WITH LEBER AMAUROSIS. Identifiers: Orphanet 3156, MedGen C4551559, MONDO:0009962, OMIM 266900.
Nephronophthisis 1 (NPHP1). Also called: Nephronophthisis familial juvenile. Identifiers: Orphanet 655, Orphanet 93592, MedGen C1855681, MONDO:0009728, OMIM 256100.
Joubert syndrome with renal defect. Also called: JOUBERT SYNDROME 4. Identifiers: Orphanet 220497, MedGen C1846790, MONDO:0012308, OMIM 609583.

Allele frequency attached by ClinVar (database versions not stated): gnomAD 0.00001; TOPMed 0.00001; ExAC 0.00002; gnomAD exomes 0.00002 and 0.00004.
gnomAD v4.1: 28 of 1,614,054 alleles (0.0017%); highest among the groups gnomAD compares: East Asian, 0.053%; 1 homozygote.

Submissions (4):

PreventionGenetics, part of Exact Sciences
Classification: Uncertain significance for NPHP1-related condition. Last evaluated: 2026-09-15. Review status: criteria provided, single submitter. Criteria: ACMG Guidelines, 2015. Collection method: clinical testing. Allele origin: germline.
Comment: The NPHP1 c.2128G>A variant is predicted to result in the amino acid substitution p.Gly710Arg. To our knowledge, this variant has not been reported in the literature. This variant is reported in 0.049% of alleles in individuals of East Asian descent in gnomAD. At this time, the clinical significance of this variant is uncertain due to the absence of conclusive functional and genetic evidence.

Ambry Genetics
Classification: Uncertain significance for Inborn genetic diseases. Last evaluated: 2025-01-07. Review status: criteria provided, single submitter. Criteria: Ambry Variant Classification Scheme 2023. Collection method: clinical testing. Allele origin: germline.

Labcorp Genetics (formerly Invitae), Labcorp
Classification: Uncertain significance for Nephronophthisis. Last evaluated: 2022-07-06. Review status: criteria provided, single submitter. Criteria: Invitae Variant Classification Sherloc (09022015). Collection method: clinical testing. Allele origin: germline.
Comment: This sequence change replaces glycine, which is neutral and non-polar, with arginine, which is basic and polar, at codon 710 of the NPHP1 protein (p.Gly710Arg). This variant is present in population databases (rs781531545, gnomAD 0.05%), including at least one homozygous and/or hemizygous individual. This variant has not been reported in the literature in individuals affected with NPHP1-related conditions. ClinVar contains an entry for this variant (Variation ID: 1429265). Algorithms developed to predict the effect of missense changes on protein structure and function are either unavailable or do not agree on the potential impact of this missense change (SIFT: "Tolerated"; PolyPhen-2: "Probably Damaging"; Align-GVGD: "Class C0"). Algorithms developed to predict the effect of sequence changes on RNA splicing suggest that this variant may create or strengthen a splice site. In summary, the available evidence is currently insufficient to determine the role of this variant in disease. Therefore, it has been classified as a Variant of Uncertain Significance.

Fulgent Genetics
Classification: Uncertain significance for Nephronophthisis 1; Senior-Loken syndrome 1; Joubert syndrome with renal defect. Last evaluated: 2021-10-15. Review status: criteria provided, single submitter. Criteria: ACMG Guidelines, 2015. Collection method: clinical testing. Allele origin: unknown.

NM_001128178.3(NPHP1):c.1960G>A (p.Gly654Arg)

Gene: NPHP1 (nephrocystin 1; minus strand). Cytogenetic location: 2q13.
Variant type: single nucleotide variant.
Coding change: c.1960G>A on transcript NM_001128178.3 (MANE Select); coding-DNA position 1960, G replaced by A.
Protein change: p.Gly654Arg; replaces glycine 654 with arginine.
Molecular consequence: missense variant. On other transcripts: 3 prime UTR variant (1).
Genome position (GRCh38, 1-based): chr2:110,123,865, C>T on the plus strand (G>A on the coding strand, the complement: NPHP1 is on the minus strand). VCF-style: chr2-110123865-C-T. GRCh37 (hg19) VCF-style: chr2-110881442-C-T.
Other names: c.2128G>A, p.Gly710Arg (NM_000272.5); c.2128G>A (NM_000272.3); c.1771G>A, p.Gly591Arg (NM_001128179.3); c.1957G>A, p.Gly653Arg (NM_001374256.1); c.*202G>A (NM_001374257.1); c.2125G>A, p.Gly709Arg (NM_207181.4); short protein forms G591R, G710R, G709R, G653R, G654R.
Identifiers: ClinVar variation 1429265 (VCV001429265.6), dbSNP rs781531545, ClinGen allele CA1826836.
Genomic context (GRCh38, chr2:110,123,865, plus strand): 5'-TTCTCATTTCACCCAAGAAGTCATAGGTCTGCTCTGAAAGGTCAAAAGGTTCATGAACTC[C>T]GTCTGGTGACAGCAGAGCTTGGAGGGCGCCCTGGTTTTCTTGGTTTTGCTTAAGGAAGTC-3'
Protein context (NP_001121650.1, residues 644-664): GALQALLSPD[Gly654Arg]VHEPFDLSEQ